The following is an entry in ClinVar:

NM_002334.4(LRP4):c.274G>A (p.Gly92Arg)

Gene: LRP4 (LDL receptor related protein 4; minus strand). Cytogenetic location: 11p11.2.
Variant type: single nucleotide variant.
Coding change: c.274G>A on transcript NM_002334.4 (MANE Select); coding-DNA position 274, G replaced by A.
Protein change: p.Gly92Arg; replaces glycine 92 with arginine.
Molecular consequence: missense variant.
Genome position (GRCh38, 1-based): chr11:46,900,304, C>T on the plus strand (G>A on the coding strand, the complement: LRP4 is on the minus strand). VCF-style: chr11-46900304-C-T. GRCh37 (hg19) VCF-style: chr11-46921855-C-T.
Other names: short protein forms G92R.
Identifiers: ClinVar variation 1042299 (VCV001042299.8), dbSNP rs754071316, ClinGen allele CA5970561.

ClinVar aggregate classification (germline): Uncertain significance. Review status: criteria provided, multiple submitters, no conflicts (2 of 4 stars). 2 submissions from 2 submitters: Uncertain significance (2). Last evaluated 2024-01-22.

Conditions:
Cenani-Lenz syndactyly syndrome. Also called: SYNDACTYLY, TYPE VII; CENANI SYNDACTYLISM. Identifiers: Orphanet 3258, MedGen C1859309, MONDO:0008931, OMIM 212780.
Congenital myasthenic syndrome 17. Identifiers: Orphanet 590, MedGen C4225377, MONDO:0014578, OMIM 616304.
Sclerosteosis 2 (SOST2). Identifiers: Orphanet 3152, MedGen C3280402, MONDO:0013679, OMIM 614305.

Allele frequency attached by ClinVar (database versions not stated): ExAC 0.00002; gnomAD exomes 0.00002 and 0.00003; TOPMed 0.00002; gnomAD 0.00003.
gnomAD v4.1: 49 of 1,613,984 alleles (0.003%); highest among the groups gnomAD compares: South Asian, 0.0055%; no homozygotes.

Submissions (2):

Fulgent Genetics
Classification: Uncertain significance for Cenani-Lenz syndactyly syndrome; Sclerosteosis 2; Congenital myasthenic syndrome 17. Last evaluated: 2024-01-22. Review status: criteria provided, single submitter. Criteria: ACMG Guidelines, 2015. Collection method: clinical testing. Allele origin: germline.

Labcorp Genetics (formerly Invitae), Labcorp
Classification: Uncertain significance for Cenani-Lenz syndactyly syndrome; Sclerosteosis 2; Congenital myasthenic syndrome 17. Last evaluated: 2022-03-09. Review status: criteria provided, single submitter. Criteria: Invitae Variant Classification Sherloc (09022015). Collection method: clinical testing. Allele origin: germline.
Comment: In summary, the available evidence is currently insufficient to determine the role of this variant in disease. Therefore, it has been classified as a Variant of Uncertain Significance. Algorithms developed to predict the effect of sequence changes on RNA splicing suggest that this variant may create or strengthen a splice site. Algorithms developed to predict the effect of missense changes on protein structure and function are either unavailable or do not agree on the potential impact of this missense change (SIFT: "Deleterious"; PolyPhen-2: "Possibly Damaging"; Align-GVGD: "Class C15"). ClinVar contains an entry for this variant (Variation ID: 1042299). This variant has not been reported in the literature in individuals affected with LRP4-related conditions. This variant is present in population databases (rs754071316, gnomAD 0.006%). This sequence change replaces glycine, which is neutral and non-polar, with arginine, which is basic and polar, at codon 92 of the LRP4 protein (p.Gly92Arg).